The following is an entry in ClinVar:

NM_001367624.2(ZNF469):c.2471C>A (p.Pro824His)

Gene: ZNF469 (zinc finger protein 469; plus strand). Cytogenetic location: 16q24.2.
Variant type: single nucleotide variant.
Coding change: c.2471C>A on transcript NM_001367624.2 (MANE Select); coding-DNA position 2471, C replaced by A.
Protein change: p.Pro824His; replaces proline 824 with histidine.
Molecular consequence: missense variant.
Genome position (GRCh38, 1-based): chr16:88,429,941, C>A. VCF-style: chr16-88429941-C-A. GRCh37 (hg19) VCF-style: chr16-88496349-C-A.
Other names: NM_001127464.1:c.2471C>A; short protein forms P824H.
Identifiers: ClinVar variation 1791784 (VCV001791784.3), dbSNP rs920772556, ClinGen allele CA286373694.

ClinVar aggregate classification (germline): Uncertain significance (1 of 4 stars; one submission).

Conditions:
Cardiovascular phenotype. Identifiers: MedGen CN230736.

gnomAD v4.1: 37 of 1,550,172 alleles (0.0024%); highest among the groups gnomAD compares: Non-Finnish European, 0.0031%; no homozygotes.

Submission:

Ambry Genetics
Classification: Uncertain significance for Cardiovascular phenotype. Last evaluated: 2025-06-10. Review status: criteria provided, single submitter. Criteria: Ambry Variant Classification Scheme 2023. Collection method: clinical testing. Allele origin: germline.
Comment: The p.P824H variant (also known as c.2471C>A), located in coding exon 1 of the ZNF469 gene, results from a C to A substitution at nucleotide position 2471. The proline at codon 824 is replaced by histidine, an amino acid with similar properties. This amino acid position is conserved. In addition, this alteration is predicted to be tolerated by in silico analysis. Since supporting evidence is limited at this time, the clinical significance of this alteration remains unclear.